The following is an entry in ClinVar:

ClinVar aggregate classification (germline): Uncertain significance. Review status: criteria provided, multiple submitters, no conflicts (2 of 4 stars). 3 submissions from 3 submitters: Uncertain significance (3). Last evaluated 2024-10-30.

Allele frequency attached by ClinVar (database versions not stated): TOPMed 0.00002; gnomAD 0.00007; ExAC 0.00023.
gnomAD v4.1: 258 of 1,613,274 alleles (0.016%); highest among the groups gnomAD compares: South Asian, 0.21%; 1 homozygote.

Submissions (3):

GeneDx
Classification: Uncertain significance. Last evaluated: 2024-10-30. Review status: criteria provided, single submitter. Criteria: GeneDx Variant Classification Process June 2021. Collection method: clinical testing. Allele origin: germline. Affected: yes.
Comment: In silico analysis supports that this missense variant has a deleterious effect on protein structure/function; Has not been previously published as pathogenic or benign to our knowledge

Blueprint Genetics
Classification: Uncertain significance. Last evaluated: 2024-07-08. Review status: criteria provided, single submitter. Criteria: ACMG Guidelines, 2015. Collection method: clinical testing. Allele origin: germline.

Labcorp Genetics (formerly Invitae), Labcorp
Classification: Uncertain significance. Last evaluated: 2023-08-30. Review status: criteria provided, single submitter. Criteria: Invitae Variant Classification Sherloc (09022015). Collection method: clinical testing. Allele origin: germline.
Comment: This sequence change replaces glutamine, which is neutral and polar, with histidine, which is basic and polar, at codon 127 of the GLRX5 protein (p.Gln127His). This variant is present in population databases (rs199687325, gnomAD 0.2%). In summary, the available evidence is currently insufficient to determine the role of this variant in disease. Therefore, it has been classified as a Variant of Uncertain Significance. An algorithm developed to predict the effect of missense changes on protein structure and function (PolyPhen-2) suggests that this variant¬†is likely to be tolerated. ClinVar contains an entry for this variant (Variation ID: 2052785). This variant has not been reported in the literature in individuals affected with GLRX5-related conditions.

NM_016417.3(GLRX5):c.381G>C (p.Gln127His)

Gene: GLRX5 (glutaredoxin 5; plus strand). Cytogenetic location: 14q32.13.
Variant type: single nucleotide variant.
Coding change: c.381G>C on transcript NM_016417.3 (MANE Select); coding-DNA position 381, G replaced by C.
Protein change: p.Gln127His; replaces glutamine 127 with histidine.
Molecular consequence: missense variant.
Genome position (GRCh38, 1-based): chr14:95,544,032, G>C. VCF-style: chr14-95544032-G-C. GRCh37 (hg19) VCF-style: chr14-96010369-G-C.
Other names: c.381G>C (NM_016417.2); short protein forms Q127H.
Identifiers: ClinVar variation 2052785 (VCV002052785.4), dbSNP rs199687325, ClinGen allele CA7333956.